The following is an entry in ClinVar:

NM_000214.3(JAG1):c.228del (p.Val77fs)

Gene: JAG1 (jagged canonical Notch ligand 1; minus strand). Cytogenetic location: 20p12.2.
Variant type: Deletion.
Coding change: c.228del on transcript NM_000214.3 (MANE Select); coding-DNA position 228, one base deleted (A; older notation c.228delA).
Protein change: p.Val77fs; shifts the reading frame from valine 77.
Molecular consequence: frameshift variant.
Genome position (GRCh38, 1-based): chr20:10,672,860, T deleted on the plus strand (A on the coding strand, the reverse complement: JAG1 is on the minus strand); the first of 3 consecutive T bases (chr20:10,672,860-10,672,862); deleting any one gives the same sequence. VCF-style (leftmost placement, unchanged base first): chr20-10672859-CT-C. GRCh37 (hg19) VCF-style: chr20-10653507-CT-C.
Other names: short protein forms V77fs.
Identifiers: ClinVar variation 930690 (VCV000930690.3), dbSNP rs2067506937, ClinGen allele CA1139665908.

ClinVar aggregate classification (germline): Pathogenic (1 of 4 stars; one submission).

Conditions:
Tetralogy of Fallot (TOF). Identifiers: Orphanet 3303, MedGen C0039685, MONDO:0008542, OMIM 187500, HP:0001636.

Submission:

Centre for Mendelian Genomics, University Medical Centre Ljubljana
Classification: Pathogenic for Tetralogy of Fallot. Last evaluated: 2019-11-25. Review status: criteria provided, single submitter. Criteria: ACMG Guidelines, 2015. Collection method: clinical testing. Allele origin: unknown. Affected: yes.
Comment: This variant was classified as: Pathogenic. The following ACMG criteria were applied in classifying this variant: PVS1,PM2,PP4.